The following is an entry in ClinVar:

NM_006939.4(SOS2):c.2539G>C (p.Val847Leu)

Gene: SOS2 (SOS Ras/Rho guanine nucleotide exchange factor 2; minus strand). Cytogenetic location: 14q21.3.
Variant type: single nucleotide variant.
Coding change: c.2539G>C on transcript NM_006939.4 (MANE Select); coding-DNA position 2539, G replaced by C.
Protein change: p.Val847Leu; replaces valine 847 with leucine.
Molecular consequence: missense variant.
Genome position (GRCh38, 1-based): chr14:50,145,298, C>G on the plus strand (G>C on the coding strand, the complement: SOS2 is on the minus strand). VCF-style: chr14-50145298-C-G. GRCh37 (hg19) VCF-style: chr14-50612016-C-G.
Other names: c.2440G>C, p.Val814Leu (NM_001411020.1); short protein forms V814L, V847L.
Identifiers: ClinVar variation 4825899 (VCV004825899.1).

ClinVar aggregate classification (germline): Uncertain significance (1 of 4 stars; one submission).

Conditions:
Cardiovascular phenotype. Identifiers: MedGen CN230736.

Submission:

Ambry Genetics
Classification: Uncertain significance for Cardiovascular phenotype. Last evaluated: 2026-03-07. Review status: criteria provided, single submitter. Criteria: Ambry Variant Classification Scheme 2023. Collection method: clinical testing. Allele origin: germline.
Comment: The p.V847L variant (also known as c.2539G>C), located in coding exon 16 of the SOS2 gene, results from a G to C substitution at nucleotide position 2539. The valine at codon 847 is replaced by leucine, an amino acid with highly similar properties. This amino acid position is conserved. In addition, the in silico prediction for this alteration is inconclusive. Based on the available evidence, the clinical significance of this variant remains unclear.